The following is an entry in ClinVar:

NM_000143.4(FH):c.490A>G (p.Met164Val)

Gene: FH (fumarate hydratase; minus strand). Cytogenetic location: 1q43.
Variant type: single nucleotide variant.
Coding change: c.490A>G on transcript NM_000143.4 (MANE Select); coding-DNA position 490, A replaced by G.
Protein change: p.Met164Val; replaces methionine 164 with valine.
Molecular consequence: missense variant.
Genome position (GRCh38, 1-based): chr1:241,512,032, T>C on the plus strand (A>G on the coding strand, the complement: FH is on the minus strand). VCF-style: chr1-241512032-T-C. GRCh37 (hg19) VCF-style: chr1-241675332-T-C.
Other names: c.490A>G (NM_000143.3); short protein forms M164V.
Identifiers: ClinVar variation 1450816 (VCV001450816.7), dbSNP rs1660097952, ClinGen allele CA345439987.
Genomic context (GRCh38, chr1:241,512,032, plus strand): 5'-TTTTATTAACATGATCGTTGGGATGCACAGGTATCTTGCTGCCAAGTTCACCTCCTAACA[T>C]TTCAATTGCTCTATTGCTAATGACTTCATTTACATTCATATTTGTCTGAGTTCCTGATCC-3'
Protein context (NP_000134.2, residues 154-174): NEVISNRAIE[Met164Val]LGGELGSKIP

ClinVar aggregate classification (germline): Uncertain significance. Review status: criteria provided, multiple submitters, no conflicts (2 of 4 stars). 2 submissions from 2 submitters: Uncertain significance (2). Last evaluated 2026-04-29.

Conditions:
Hereditary cancer-predisposing syndrome. Also called: Tumor predisposition; Neoplastic Syndromes, Hereditary; Hereditary Cancer Syndrome; Hereditary neoplastic syndrome. Identifiers: Orphanet 140162, MedGen C0027672, MeSH D009386, MONDO:0015356.

Allele frequency attached by ClinVar (database versions not stated): TOPMed below 0.00001.

Submissions (2):

Ambry Genetics
Classification: Uncertain significance for Hereditary cancer-predisposing syndrome. Last evaluated: 2026-04-29. Review status: criteria provided, single submitter. Criteria: Ambry Variant Classification Scheme 2023. Collection method: clinical testing. Allele origin: germline.
Comment: The p.M164V variant (also known as c.490A>G), located in coding exon 4 of the FH gene, results from an A to G substitution at nucleotide position 490. The methionine at codon 164 is replaced by valine, an amino acid with highly similar properties. This amino acid position is not well conserved in available vertebrate species. In addition, the in silico prediction for this alteration is inconclusive. Based on the available evidence, the clinical significance of this variant remains unclear.

Labcorp Genetics (formerly Invitae), Labcorp
Classification: Uncertain significance. Last evaluated: 2021-09-16. Review status: criteria provided, single submitter. Criteria: Invitae Variant Classification Sherloc (09022015). Collection method: clinical testing. Allele origin: germline.
Comment: In summary, the available evidence is currently insufficient to determine the role of this variant in disease. Therefore, it has been classified as a Variant of Uncertain Significance. Advanced modeling of protein sequence and biophysical properties (such as structural, functional, and spatial information, amino acid conservation, physicochemical variation, residue mobility, and thermodynamic stability) performed at Invitae indicates that this missense variant is not expected to disrupt FH protein function. This variant has not been reported in the literature in individuals affected with FH-related conditions. This variant is not present in population databases (ExAC no frequency). This sequence change replaces methionine with valine at codon 164 of the FH protein (p.Met164Val). The methionine residue is moderately conserved and there is a small physicochemical difference between methionine and valine.